The following is an entry in ClinVar:

NM_000142.5(FGFR3):c.*204AG[1]

Gene: FGFR3 (fibroblast growth factor receptor 3; plus strand). Cytogenetic location: 4p16.3.
Variant type: Microsatellite.
Coding change: c.*204AG[1] on transcript NM_000142.5 (MANE Select); one copy of the 2-base unit AG starting at c.*204; the reference has two copies in a row; one copy, 2 bases deleted.
Molecular consequence: 3 prime UTR variant. On other transcripts: non-coding transcript variant (1).
Genome position (GRCh38, 1-based): chr4:1,807,468-1,807,469, AG deleted; deleting any 2 consecutive bases within chr4:1,807,466-1,807,469 gives the same sequence; the position shown is the placement nearest the transcript's 3' end. VCF-style (leftmost placement, unchanged base first): chr4-1807465-CAG-C. GRCh37 (hg19) VCF-style: chr4-1809192-CAG-C.
Other names: c.*204AG[1] (NM_001163213.2, NM_001354809.2, NM_022965.4); c.*178AG[1] (NM_001354810.2).
Identifiers: ClinVar variation 1708697 (VCV001708697.2), dbSNP rs541119317, ClinGen allele CA2810934.

ClinVar aggregate classification (germline): Likely benign (1 of 4 stars; one submission).

Submission:

GeneDx
Classification: Likely benign. Last evaluated: 2021-06-15. Review status: criteria provided, single submitter. Criteria: GeneDx Variant Classification Process June 2021. Collection method: clinical testing. Allele origin: germline. Affected: yes.
Comment: See Variant Classification Assertion Criteria.